The following is an entry in ClinVar:

NM_000158.4(GBE1):c.733T>C (p.Tyr245His)

Gene: GBE1 (1,4-alpha-glucan branching enzyme 1; minus strand). Cytogenetic location: 3p12.2.
Variant type: single nucleotide variant.
Coding change: c.733T>C on transcript NM_000158.4 (MANE Select); coding-DNA position 733, T replaced by C.
Protein change: p.Tyr245His; replaces tyrosine 245 with histidine.
Molecular consequence: missense variant.
Genome position (GRCh38, 1-based): chr3:81,646,441, A>G on the plus strand (T>C on the coding strand, the complement: GBE1 is on the minus strand). VCF-style: chr3-81646441-A-G. GRCh37 (hg19) VCF-style: chr3-81695592-A-G.
Other names: short protein forms Y245H.
Identifiers: ClinVar variation 1338989 (VCV001338989.7), dbSNP rs2107066005, ClinGen allele CA353688105.

ClinVar aggregate classification (germline): Uncertain significance. Review status: criteria provided, multiple submitters, no conflicts (2 of 4 stars). 2 submissions from 2 submitters: Uncertain significance (2). Last evaluated 2022-05-16.

Conditions:
Glycogen storage disease IV, classic hepatic. Also called: GSD IV, CLASSIC HEPATIC. Identifiers: MedGen C1856301.
Glycogen storage disease, type IV (GSD4). Also called: AMYLOPECTINOSIS; ANDERSEN DISEASE; BRANCHER DEFICIENCY; Glycogen storage disease due to glycogen branching enzyme deficiency; CIRRHOSIS, FAMILIAL, WITH DEPOSITION OF ABNORMAL GLYCOGEN; GBE1 DEFICIENCY. Identifiers: Orphanet 367, MedGen C0017923, MONDO:0009292, OMIM 232500.

gnomAD v4.1: 1 of 1,606,122 alleles (0.000062%); highest among the groups gnomAD compares: South Asian, 0.0011%; no homozygotes.

Submissions (2):

Labcorp Genetics (formerly Invitae), Labcorp
Classification: Uncertain significance for Glycogen storage disease, type IV; Glycogen storage disease IV, classic hepatic. Last evaluated: 2022-05-16. Review status: criteria provided, single submitter. Criteria: Invitae Variant Classification Sherloc (09022015). Collection method: clinical testing. Allele origin: germline.
Comment: In summary, the available evidence is currently insufficient to determine the role of this variant in disease. Therefore, it has been classified as a Variant of Uncertain Significance. Advanced modeling of protein sequence and biophysical properties (such as structural, functional, and spatial information, amino acid conservation, physicochemical variation, residue mobility, and thermodynamic stability) performed at Invitae indicates that this missense variant is expected to disrupt GBE1 protein function. This variant has not been reported in the literature in individuals affected with GBE1-related conditions. This variant is not present in population databases (gnomAD no frequency). This sequence change replaces tyrosine, which is neutral and polar, with histidine, which is basic and polar, at codon 245 of the GBE1 protein (p.Tyr245His).

Neuberg Centre For Genomic Medicine, NCGM
Classification: Uncertain significance for Glycogen storage disease, type IV. Review status: criteria provided, single submitter. Criteria: ACMG Guidelines, 2015. Collection method: clinical testing. Allele origin: germline. Affected: yes.
Comment: The missense variant p.Y245H in GBE1 (NM_000158.4) has not been reported previously as a pathogenic variant nor as a benign variant, to our knowledge. The p.Y245H variant is novel (not in any individuals) in gnomAD Exomes and is novel (not in any individuals) in 1000 Genomes. The p.Y245H missense variant is predicted to be damaging by both SIFT and PolyPhen2. The tyrosine residue at codon 245 of GBE1 is conserved in all mammalian species. The nucleotide c.733 in GBE1 is predicted conserved by GERP++ and PhyloP across 100 vertebrates. For these reasons, this variant has been classified as Uncertain Significance.